The following is an entry in ClinVar:

NM_018896.5(CACNA1G):c.868G>A (p.Gly290Arg)

Gene: CACNA1G (calcium voltage-gated channel subunit alpha1 G; plus strand). Cytogenetic location: 17q21.33.
Variant type: single nucleotide variant.
Coding change: c.868G>A on transcript NM_018896.5 (MANE Select); coding-DNA position 868, G replaced by A.
Protein change: p.Gly290Arg; replaces glycine 290 with arginine.
Molecular consequence: missense variant. On other transcripts: non-coding transcript variant (5).
Genome position (GRCh38, 1-based): chr17:50,572,675, G>A. VCF-style: chr17-50572675-G-A. GRCh37 (hg19) VCF-style: chr17-48650036-G-A.
Other names: c.868G>A, p.Gly290Arg (NM_001256324.2, NM_001256325.2, NM_001256326.2 and 24 more transcripts); short protein forms G290R.
Identifiers: ClinVar variation 1326467 (VCV001326467.2), dbSNP rs766099998, ClinGen allele CA8652055.

ClinVar aggregate classification (germline): Uncertain significance (1 of 4 stars; one submission).

Allele frequency attached by ClinVar (database versions not stated): gnomAD 0.00001; ExAC 0.00002; gnomAD exomes 0.00002 and 0.00003.
gnomAD v4.1: 50 of 1,611,626 alleles (0.0031%); highest among the groups gnomAD compares: Middle Eastern, 0.049%; no homozygotes.

Submission:

GeneDx
Classification: Uncertain significance. Last evaluated: 2021-05-24. Review status: criteria provided, single submitter. Criteria: GeneDx Variant Classification Process June 2021. Collection method: clinical testing. Allele origin: germline. Affected: yes.
Comment: Has not been previously published as pathogenic or benign to our knowledge; In silico analysis supports that this missense variant does not alter protein structure/function